The following is an entry in ClinVar:

ClinVar aggregate classification (germline): Uncertain significance (1 of 4 stars; one submission).

Conditions:
Baller-Gerold syndrome (BGS). Also called: CRANIOSYNOSTOSIS WITH RADIAL DEFECTS. Identifiers: Orphanet 1225, MedGen C0265308, MONDO:0009039, OMIM 218600.

Allele frequency attached by ClinVar (database versions not stated): ExAC 0.00002; gnomAD exomes 0.00002.
gnomAD v4.1: 21 of 1,609,858 alleles (0.0013%); highest among the groups gnomAD compares: Non-Finnish European, 0.0017%; no homozygotes.

Submission:

Labcorp Genetics (formerly Invitae), Labcorp
Classification: Uncertain significance for Baller-Gerold syndrome. Last evaluated: 2025-09-28. Review status: criteria provided, single submitter. Criteria: Invitae Variant Classification Sherloc (09022015). Collection method: clinical testing. Allele origin: germline.
Comment: This sequence change replaces aspartic acid, which is acidic and polar, with asparagine, which is neutral and polar, at codon 187 of the RECQL4 protein (p.Asp187Asn). This variant is present in population databases (rs775849340, gnomAD 0.01%). This variant has not been reported in the literature in individuals affected with RECQL4-related conditions. ClinVar contains an entry for this variant (Variation ID: 662529). Invitae Evidence Modeling of protein sequence and biophysical properties (such as structural, functional, and spatial information, amino acid conservation, physicochemical variation, residue mobility, and thermodynamic stability) indicates that this missense variant is not expected to disrupt RECQL4 protein function with a negative predictive value of 80%. In summary, the available evidence is currently insufficient to determine the role of this variant in disease. Therefore, it has been classified as a Variant of Uncertain Significance.

NM_004260.4(RECQL4):c.559G>A (p.Asp187Asn)

Gene: RECQL4 (RecQ like helicase 4; minus strand). Cytogenetic location: 8q24.3.
Variant type: single nucleotide variant.
Coding change: c.559G>A on transcript NM_004260.4 (MANE Select); coding-DNA position 559, G replaced by A.
Protein change: p.Asp187Asn; replaces aspartic acid 187 with asparagine.
Molecular consequence: missense variant.
Genome position (GRCh38, 1-based): chr8:144,516,560, C>T on the plus strand (G>A on the coding strand, the complement: RECQL4 is on the minus strand). VCF-style: chr8-144516560-C-T. GRCh37 (hg19) VCF-style: chr8-145741944-C-T.
Other names: short protein forms D187N.
Identifiers: ClinVar variation 662529 (VCV000662529.7), dbSNP rs775849340, ClinGen allele CA4949250.
Genomic context (GRCh38, chr8:144,516,560, plus strand): 5'-CTTTGGGGGCCCCCAGAAAATCTGGGACCTCACTGTGACATCGCTGTAACCAGCCAGGAT[C>T]TAGGGAGCCCAGCCGCTGGCTCAGGGATGCCTGCAGATGCTGGAGCCGGCCTGGCCTTGG-3'
Protein context (NP_004251.4, residues 177-197): ASLSQRLGSL[Asp187Asn]PGWLQRCHSE